The following is an entry in ClinVar:

GRCh38/hg38 22q11.21(chr22:18929330-20686544)x1

Genes: ARVCF (ARVCF delta catenin family member; minus strand), C22orf39 (chromosome 22 open reading frame 39; minus strand), CCDC188 (coiled-coil domain containing 188; minus strand), CDC45 (cell division cycle 45; plus strand), CLDN5 (claudin 5; minus strand) and 132 more. Cytogenetic location: 22q11.21.
Variant type: copy number loss.
Change: copy number 1 (one copy instead of two) of chr22:18,929,330-20,686,544 (1.76 Mb, GRCh38 coordinates, 1-based), cytogenetic band 22q11.21.
Identifiers: ClinVar variation 4796311 (VCV004796311.1).

ClinVar aggregate classification (germline): Pathogenic (1 of 4 stars; one submission).

Submission:

Medical Genetic Center, Changzhi Maternal and Child Health Care Hospital
Classification: Pathogenic. Last evaluated: 2025-12-10. Review status: criteria provided, single submitter. Criteria: ACMG/ClinGen CNV Guidelines, 2019. Collection method: clinical testing. Allele origin: unknown.
Comment: 2A:22q11.2 recurrent (DGS/VCFS) region (proximal, A-B) (includes TBX1)